The following is an entry in ClinVar:

ClinVar aggregate classification (germline): Benign/Likely benign. Review status: criteria provided, multiple submitters, no conflicts (2 of 4 stars). 11 submissions from 10 submitters: Benign (7); Likely benign (3). 1 of the submissions does not count toward it. Last evaluated 2026-09-01.

Conditions:
Postaxial polydactyly. Identifiers: MedGen C0220697, MONDO:0020927, HP:0100259.
Pallister-Hall syndrome (PHS). Also called: HYPOTHALAMIC HAMARTOBLASTOMA, HYPOPITUITARISM, IMPERFORATE ANUS, AND POSTAXIAL POLYDACTYLY; GLI3-Related Pallister-Hall Syndrome. Identifiers: Orphanet 672, MedGen C0265220, MONDO:0007804, OMIM 146510.
Greig cephalopolysyndactyly syndrome (GCPS). Also called: GLI3-Related Greig Cephalopolysyndactyly Syndrome; POLYSYNDACTYLY WITH PECULIAR SKULL SHAPE; Greig syndrome. Identifiers: Orphanet 380, MedGen C0265306, MONDO:0008287, OMIM 175700.
Postaxial polydactyly, type A1/B. Identifiers: MedGen C4016298.

Allele frequency attached by ClinVar (database versions not stated): 1000 Genomes Project 0.00260; ExAC 0.00571; gnomAD exomes 0.00654 and 0.00527; TOPMed 0.00392; gnomAD 0.00512 and 0.00511; 1000 Genomes Project 30x 0.00219.
gnomAD v4.1: 10,255 of 1,614,096 alleles (0.64%); highest among the groups gnomAD compares: Non-Finnish European, 0.73%; 53 homozygotes.

Submissions (11):

CeGaT Center for Human Genetics Tuebingen
Classification: Benign. Last evaluated: 2026-09-01. Review status: criteria provided, single submitter. Criteria: CeGaT Center For Human Genetics Tuebingen Variant Classification Criteria Version 2. Collection method: clinical testing. Allele origin: germline. Affected: yes. Observed: 35 variant alleles.
Comment: GLI3: BS1, BS2

Labcorp Genetics (formerly Invitae), Labcorp
Classification: Benign for Pallister-Hall syndrome; Greig cephalopolysyndactyly syndrome. Last evaluated: 2026-01-28. Review status: criteria provided, single submitter. Criteria: Invitae Variant Classification Sherloc (09022015). Collection method: clinical testing. Allele origin: germline.

Blueprint Genetics
Classification: Likely benign. Last evaluated: 2024-11-18. Review status: criteria provided, single submitter. Criteria: ACMG Guidelines, 2015. Collection method: clinical testing. Allele origin: germline.

Genomic Research Center, Shahid Beheshti University of Medical Sciences
Classification: Benign for Postaxial polydactyly. Last evaluated: 2023-12-10. Review status: criteria provided, single submitter. Criteria: ACMG Guidelines, 2015. Collection method: clinical testing. Allele origin: inherited. Affected: no. Observed: 1 variant allele.

GeneDx
Classification: Benign. Last evaluated: 2018-12-20. Review status: criteria provided, single submitter. Criteria: GeneDx Variant Classification Process June 2021. Collection method: clinical testing. Allele origin: germline. Affected: yes.
Comment: This variant is associated with the following publications: (PMID: 10441570, 25527561, 31325247, 32696176)

Genetic Services Laboratory, University of Chicago
Classification: Benign. Last evaluated: 2018-02-28. Review status: criteria provided, single submitter. Criteria: ACMG Guidelines, 2015. Collection method: clinical testing. Allele origin: germline. Affected: no.

Illumina Laboratory Services, Illumina
Classification: Likely benign for Pallister-Hall syndrome. Last evaluated: 2017-04-27. Review status: criteria provided, single submitter. Criteria: ICSL Variant Classification Criteria 13 December 2019. Collection method: clinical testing. Allele origin: germline.
Comment: This variant was observed as part of a predisposition screen in an ostensibly healthy population. A literature search was performed for the gene, cDNA change, and amino acid change (where applicable). No publications were found based on this search. Allele frequency data from public databases allowed determination this variant is unlikely to cause disease. Therefore, this variant is classified as likely benign.

Illumina Laboratory Services, Illumina
Classification: Likely benign for Greig cephalopolysyndactyly syndrome. Last evaluated: 2017-04-27. Review status: criteria provided, single submitter. Criteria: ICSL Variant Classification Criteria 13 December 2019. Collection method: clinical testing. Allele origin: germline.
Comment: the same text as in the submission from Illumina Laboratory Services, Illumina above.

Center for Pediatric Genomic Medicine, Children's Mercy Hospital and Clinics
Classification: Benign. Last evaluated: 2017-04-12. Review status: criteria provided, single submitter. Criteria: ACMG Guidelines, 2015. Collection method: clinical testing. Allele origin: germline.

Eurofins Ntd Llc (ga)
Classification: Benign. Last evaluated: 2014-11-22. Review status: criteria provided, single submitter. Criteria: EGL Classification Definitions 2015. Collection method: clinical testing. Allele origin: germline. Observed: 3 variant alleles, 3 heterozygotes.

OMIM
Classification: Uncertain significance for RECLASSIFIED - VARIANT OF UNKNOWN SIGNIFICANCE. Last evaluated: 1999-09-01. Review status: flagged submission. Collection method: literature only. Allele origin: germline. Not counted in ClinVar's aggregate classification.
ClinVar note: Reason: Outlier claim with insufficient supporting evidence

Literature cited by the submitters: Hamosh, A. Personal Communication. 2018. Baltimore, Md. (cited by OMIM); PubMed 10441570 (cited by OMIM).

NM_000168.6(GLI3):c.2179G>A (p.Gly727Arg)

Gene: GLI3 (GLI family zinc finger 3; minus strand). Cytogenetic location: 7p14.1.
Variant type: single nucleotide variant.
Coding change: c.2179G>A on transcript NM_000168.6 (MANE Select); coding-DNA position 2179, G replaced by A.
Protein change: p.Gly727Arg; replaces glycine 727 with arginine.
Molecular consequence: missense variant.
Genome position (GRCh38, 1-based): chr7:41,967,848, C>T on the plus strand (G>A on the coding strand, the complement: GLI3 is on the minus strand). VCF-style: chr7-41967848-C-T. GRCh37 (hg19) VCF-style: chr7-42007446-C-T.
Other names: short protein forms G727R.
Identifiers: ClinVar variation 13821 (VCV000013821.57), dbSNP rs121917710, ClinGen allele CA123497.